The following is an entry in ClinVar:

ClinVar aggregate classification (germline): Benign/Likely benign. Review status: criteria provided, multiple submitters, no conflicts (2 of 4 stars). 2 submissions from 2 submitters: Benign (1); Likely benign (1). Last evaluated 2025-10-01.

Conditions:
Oxoglutaricaciduria. Identifiers: Orphanet 31, MedGen C2752074, MONDO:0008759, OMIM 203740.

Allele frequency attached by ClinVar (database versions not stated): gnomAD exomes 0.00008; ExAC 0.00026; 1000 Genomes Project 0.00060; 1000 Genomes Project 30x 0.00062; gnomAD 0.00063; TOPMed 0.00090; ESP Exome Variant Server 0.00131.
gnomAD v4.1: 223 of 1,613,956 alleles (0.014%); highest among the groups gnomAD compares: African/African-American, 0.25%; no homozygotes.

Submissions (2):

CeGaT Center for Human Genetics Tuebingen
Classification: Likely benign. Last evaluated: 2025-10-01. Review status: criteria provided, single submitter. Criteria: CeGaT Center For Human Genetics Tuebingen Variant Classification Criteria Version 2. Collection method: clinical testing. Allele origin: germline. Affected: yes. Observed: 1 variant allele.
Comment: OGDH: BP4, BP7

Labcorp Genetics (formerly Invitae), Labcorp
Classification: Benign for Oxoglutaricaciduria. Last evaluated: 2025-08-27. Review status: criteria provided, single submitter. Criteria: Invitae Variant Classification Sherloc (09022015). Collection method: clinical testing. Allele origin: germline.

NM_002541.4(OGDH):c.1137C>T (p.Ala379=)

Gene: OGDH (oxoglutarate dehydrogenase; plus strand). Cytogenetic location: 7p13.
Variant type: single nucleotide variant.
Coding change: c.1137C>T on transcript NM_002541.4 (MANE Select); coding-DNA position 1137, C replaced by T.
Protein change: p.Ala379=; no amino-acid change (alanine 379 retained).
Molecular consequence: synonymous variant.
Genome position (GRCh38, 1-based): chr7:44,676,080, C>T. VCF-style: chr7-44676080-C-T. GRCh37 (hg19) VCF-style: chr7-44715679-C-T.
Other names: c.1137C>T, p.Ala379= (NM_001003941.3); c.1125C>T, p.Ala375= (NM_001165036.2); c.1170C>T, p.Ala390= (NM_001363523.2).
Identifiers: ClinVar variation 2058242 (VCV002058242.10), dbSNP rs145890791, ClinGen allele CA4243741.